The following is an entry in ClinVar:

ClinVar aggregate classification (germline): Uncertain significance (1 of 4 stars; one submission).

Submission:

Women's Health and Genetics/Laboratory Corporation of America, LabCorp
Classification: Uncertain significance. Last evaluated: 2025-07-16. Review status: criteria provided, single submitter. Criteria: LabCorp Variant Classification Summary - May 2015. Collection method: clinical testing. Allele origin: germline.
Comment: Variant summary: KCNH1 c.2531G>A (p.Cys844Tyr) results in a non-conservative amino acid change in the encoded protein sequence. Algorithms developed to predict the effect of missense changes on protein structure and function are either unavailable or do not agree on the potential impact of this missense change. The variant was absent in 251162 control chromosomes. The available data on variant occurrences in the general population are insufficient to allow any conclusion about variant significance. To our knowledge, no occurrence of c.2531G>A in individuals affected with KCNH1-Related Disorders and no experimental evidence demonstrating its impact on protein function have been reported. No submitters have cited clinical-significance assessments for this variant to ClinVar. Based on the evidence outlined above, the variant was classified as uncertain significance.

NM_172362.3(KCNH1):c.2531G>A (p.Cys844Tyr)

Gene: KCNH1 (potassium voltage-gated channel subfamily H member 1; minus strand). Cytogenetic location: 1q32.2.
Variant type: single nucleotide variant.
Coding change: c.2531G>A on transcript NM_172362.3 (MANE Select); coding-DNA position 2531, G replaced by A.
Protein change: p.Cys844Tyr; replaces cysteine 844 with tyrosine.
Molecular consequence: missense variant.
Genome position (GRCh38, 1-based): chr1:210,683,720, C>T on the plus strand (G>A on the coding strand, the complement: KCNH1 is on the minus strand). VCF-style: chr1-210683720-C-T. GRCh37 (hg19) VCF-style: chr1-210857062-C-T.
Other names: c.2450G>A, p.Cys817Tyr (NM_002238.4); short protein forms C844Y, C817Y.
Identifiers: ClinVar variation 4525866 (VCV004525866.1).